The following is an entry in ClinVar:

NM_005546.4(ITK):c.1219G>T (p.Ala407Ser)

Gene: ITK (IL2 inducible T cell kinase; plus strand). Cytogenetic location: 5q33.3.
Variant type: single nucleotide variant.
Coding change: c.1219G>T on transcript NM_005546.4 (MANE Select); coding-DNA position 1219, G replaced by T.
Protein change: p.Ala407Ser; replaces alanine 407 with serine.
Molecular consequence: missense variant.
Genome position (GRCh38, 1-based): chr5:157,243,781, G>T. VCF-style: chr5-157243781-G-T. GRCh37 (hg19) VCF-style: chr5-156670791-G-T.
Other names: short protein forms A407S.
Identifiers: ClinVar variation 2879834 (VCV002879834.1), dbSNP rs199801289, ClinGen allele CA3533021.

ClinVar aggregate classification (germline): Uncertain significance (1 of 4 stars; one submission).

Conditions:
Lymphoproliferative syndrome 1 (LPFS1). Identifiers: Orphanet 238505, Orphanet 538963, MedGen C3552634, MONDO:0013081, OMIM 613011.

Allele frequency attached by ClinVar (database versions not stated): TOPMed 0.00001; gnomAD 0.00003; ExAC 0.00009.
gnomAD v4.1: 46 of 1,613,896 alleles (0.0029%); highest among the groups gnomAD compares: Non-Finnish European, 0.0028%; no homozygotes.

Submission:

Labcorp Genetics (formerly Invitae), Labcorp
Classification: Uncertain significance for Lymphoproliferative syndrome 1. Last evaluated: 2023-05-08. Review status: criteria provided, single submitter. Criteria: Invitae Variant Classification Sherloc (09022015). Collection method: clinical testing. Allele origin: germline.
Comment: In summary, the available evidence is currently insufficient to determine the role of this variant in disease. Therefore, it has been classified as a Variant of Uncertain Significance. Advanced modeling of protein sequence and biophysical properties (such as structural, functional, and spatial information, amino acid conservation, physicochemical variation, residue mobility, and thermodynamic stability) performed at Invitae indicates that this missense variant is expected to disrupt ITK protein function. This variant has not been reported in the literature in individuals affected with ITK-related conditions. This variant is present in population databases (rs199801289, gnomAD 0.01%). This sequence change replaces alanine, which is neutral and non-polar, with serine, which is neutral and polar, at codon 407 of the ITK protein (p.Ala407Ser).